The following is an entry in ClinVar:

ClinVar aggregate classification (germline): Pathogenic (1 of 4 stars; one submission).

Conditions:
Multiple mitochondrial dysfunctions syndrome 3 (MMDS3). Identifiers: Orphanet 363424, MedGen C3809165, MONDO:0014132, OMIM 615330.
Hereditary spastic paraplegia 74. Also called: Spastic paraplegia 74, autosomal recessive. Identifiers: Orphanet 468661, MedGen C5568837, MONDO:0014644, OMIM 616451.

Submission:

Labcorp Genetics (formerly Invitae), Labcorp
Classification: Pathogenic for Multiple mitochondrial dysfunctions syndrome 3; Hereditary spastic paraplegia 74. Last evaluated: 2022-11-28. Review status: criteria provided, single submitter. Criteria: Invitae Variant Classification Sherloc (09022015). Collection method: clinical testing. Allele origin: germline.
Comment: This sequence change creates a premature translational stop signal (p.Phe69Thrfs*7) in the IBA57 gene. It is expected to result in an absent or disrupted protein product. Loss-of-function variants in IBA57 are known to be pathogenic (PMID: 23462291, 25971455, 27785568, 28671726). This variant is not present in population databases (gnomAD no frequency). This variant has not been reported in the literature in individuals affected with IBA57-related conditions. For these reasons, this variant has been classified as Pathogenic.

Literature cited by the submitters: PubMed 23462291; PubMed 25971455; PubMed 27785568; PubMed 28671726.

NM_001010867.4(IBA57):c.193_203dup (p.Phe69fs)

Gene: IBA57 (iron-sulfur cluster assembly factor IBA57; plus strand). Cytogenetic location: 1q42.13.
Variant type: Duplication.
Coding change: c.193_203dup on transcript NM_001010867.4 (MANE Select); coding-DNA positions 193 to 203, 11 bases duplicated (GACGCGGCGCC).
Protein change: p.Phe69fs; shifts the reading frame from phenylalanine 69.
Molecular consequence: frameshift variant.
Genome position (GRCh38, 1-based): chr1:228,166,009-228,166,019, GACGCGGCGCC duplicated; duplicating any 11 consecutive bases within chr1:228,166,007-228,166,019 gives the same sequence; the c. name uses the placement nearest the transcript's 3' end. VCF-style (leftmost placement, unchanged base first): chr1-228166006-C-CCCGACGCGGCG. GRCh37 (hg19) VCF-style: chr1-228353707-C-CCCGACGCGGCG.
Other names: short protein forms F69fs.
Identifiers: ClinVar variation 1968141 (VCV001968141.5), dbSNP rs2034844971, ClinGen allele CA423739658.
Genomic context (GRCh38, chr1:228,166,006, plus strand): 5'-GCCGGAGCGGCCTGGGCCTGCTTCCGGCTGGACGGGCGCACCCTGCTGCGCGTGCGTGGC[C>CCCGACGCGGCG]CCGACGCGGCGCCCTTCCTGCTAGGGCTGCTGACCAATGAACTGCCGCTTCCGAGTCCTG-3'